The following is an entry in ClinVar:

ClinVar aggregate classification (germline): Uncertain significance (1 of 4 stars; one submission).

Allele frequency attached by ClinVar (database versions not stated): gnomAD exomes 0.00001.

Submission:

Labcorp Genetics (formerly Invitae), Labcorp
Classification: Uncertain significance. Last evaluated: 2022-03-15. Review status: criteria provided, single submitter. Criteria: Invitae Variant Classification Sherloc (09022015). Collection method: clinical testing. Allele origin: germline.
Comment: This sequence change replaces glycine, which is neutral and non-polar, with valine, which is neutral and non-polar, at codon 48 of the GATA5 protein (p.Gly48Val). This variant is not present in population databases (gnomAD no frequency). This variant has not been reported in the literature in individuals affected with GATA5-related conditions. ClinVar contains an entry for this variant (Variation ID: 222641). Algorithms developed to predict the effect of missense changes on protein structure and function (SIFT, PolyPhen-2, Align-GVGD) all suggest that this variant is likely to be tolerated. In summary, the available evidence is currently insufficient to determine the role of this variant in disease. Therefore, it has been classified as a Variant of Uncertain Significance.

NM_080473.5(GATA5):c.143G>T (p.Gly48Val)

Gene: GATA5 (GATA binding protein 5; minus strand). Cytogenetic location: 20q13.33.
Variant type: single nucleotide variant.
Coding change: c.143G>T on transcript NM_080473.5 (MANE Select); coding-DNA position 143, G replaced by T.
Protein change: p.Gly48Val; replaces glycine 48 with valine.
Molecular consequence: missense variant.
Genome position (GRCh38, 1-based): chr20:62,475,379, C>A on the plus strand (G>T on the coding strand, the complement: GATA5 is on the minus strand). VCF-style: chr20-62475379-C-A. GRCh37 (hg19) VCF-style: chr20-61050435-C-A.
Other names: short protein forms G48V.
Identifiers: ClinVar variation 222641 (VCV000222641.5), dbSNP rs869025434, ClinGen allele CA351932.
Genomic context (GRCh38, chr20:62,475,379, plus strand): 5'-GCTGTCTGCGCCCAGCCGGGGCGCGCAGCGAGCTCGGGGGGCTGCGGGCTCGGCTCACAC[C>A]CGGACAGGTAGGACAGCATCGAGGGGACGCGCGCCGGCGGCACAAACATCGGAGAGCCGG-3'
Protein context (NP_536721.1, residues 38-58): RVPSMLSYLS[Gly48Val]CEPSPQPPEL